The following is an entry in ClinVar:

ClinVar aggregate classification (germline): Uncertain significance (1 of 4 stars; one submission).

Conditions:
Immunodeficiency 104. Also called: SCID, AUTOSOMAL RECESSIVE, T CELL-NEGATIVE, B CELL-POSITIVE, NK CELL-POSITIVE; Severe combined immunodeficiency, autosomal recessive, T cell-negative, B cell-positive, NK cell-positive; Severe Combined Immune Deficiency, Autosomal Recessive, TCell -Negative, B Cell-Positive, NK Cell-Positive, IL7R-Related; IMMUNODEFICIENCY 104, SEVERE COMBINED. Identifiers: MedGen C5676890, MONDO:0012163, OMIM 608971.

Allele frequency attached by ClinVar (database versions not stated): ExAC 0.00001.
gnomAD v4.1: 1 of 1,612,794 alleles (0.000062%); no homozygotes.

Submission:

Labcorp Genetics (formerly Invitae), Labcorp
Classification: Uncertain significance for Immunodeficiency 104. Last evaluated: 2021-11-13. Review status: criteria provided, single submitter. Criteria: Invitae Variant Classification Sherloc (09022015). Collection method: clinical testing. Allele origin: germline.
Comment: This sequence change replaces lysine, which is basic and polar, with glutamine, which is neutral and polar, at codon 173 of the IL7R protein (p.Lys173Gln). This variant is not present in population databases (gnomAD no frequency). This variant has not been reported in the literature in individuals affected with IL7R-related conditions. Advanced modeling of protein sequence and biophysical properties (such as structural, functional, and spatial information, amino acid conservation, physicochemical variation, residue mobility, and thermodynamic stability) performed at Invitae indicates that this missense variant is expected to disrupt IL7R protein function. In summary, the available evidence is currently insufficient to determine the role of this variant in disease. Therefore, it has been classified as a Variant of Uncertain Significance.

NM_002185.5(IL7R):c.517A>C (p.Lys173Gln)

Gene: IL7R (interleukin 7 receptor; plus strand). Cytogenetic location: 5p13.2.
Variant type: single nucleotide variant.
Coding change: c.517A>C on transcript NM_002185.5 (MANE Select); coding-DNA position 517, A replaced by C.
Protein change: p.Lys173Gln; replaces lysine 173 with glutamine.
Molecular consequence: missense variant. On other transcripts: non-coding transcript variant (1).
Genome position (GRCh38, 1-based): chr5:35,871,193, A>C. VCF-style: chr5-35871193-A-C. GRCh37 (hg19) VCF-style: chr5-35871295-A-C.
Other names: short protein forms K173Q.
Identifiers: ClinVar variation 1483385 (VCV001483385.1), dbSNP rs749945425, ClinGen allele CA3231992.